The following is an entry in ClinVar:

NM_014264.5(PLK4):c.1396T>G (p.Phe466Val)

Gene: PLK4 (polo like kinase 4; plus strand). Cytogenetic location: 4q28.1.
Variant type: single nucleotide variant.
Coding change: c.1396T>G on transcript NM_014264.5 (MANE Select); coding-DNA position 1396, T replaced by G.
Protein change: p.Phe466Val; replaces phenylalanine 466 with valine.
Molecular consequence: missense variant.
Genome position (GRCh38, 1-based): chr4:127,887,433, T>G. VCF-style: chr4-127887433-T-G. GRCh37 (hg19) VCF-style: chr4-128808588-T-G.
Other names: c.1300T>G, p.Phe434Val (NM_001190799.2); c.1273T>G, p.Phe425Val (NM_001190801.2); short protein forms F425V, F434V, F466V.
Identifiers: ClinVar variation 2116331 (VCV002116331.1), dbSNP rs2546015202, ClinGen allele CA358154814.

ClinVar aggregate classification (germline): Uncertain significance (1 of 4 stars; one submission).

Submission:

Labcorp Genetics (formerly Invitae), Labcorp
Classification: Uncertain significance. Last evaluated: 2022-08-09. Review status: criteria provided, single submitter. Criteria: Invitae Variant Classification Sherloc (09022015). Collection method: clinical testing. Allele origin: germline.
Comment: This sequence change replaces phenylalanine, which is neutral and non-polar, with valine, which is neutral and non-polar, at codon 466 of the PLK4 protein (p.Phe466Val). This variant is not present in population databases (gnomAD no frequency). This variant has not been reported in the literature in individuals affected with PLK4-related conditions. Algorithms developed to predict the effect of missense changes on protein structure and function (SIFT, PolyPhen-2, Align-GVGD) all suggest that this variant is likely to be tolerated. Algorithms developed to predict the effect of sequence changes on RNA splicing suggest that this variant may disrupt the consensus splice site. In summary, the available evidence is currently insufficient to determine the role of this variant in disease. Therefore, it has been classified as a Variant of Uncertain Significance.